The following is an entry in ClinVar:

NM_004667.6(HERC2):c.13210G>A (p.Val4404Ile)

Gene: HERC2 (HECT and RLD domain containing E3 ubiquitin protein ligase 2; minus strand). Cytogenetic location: 15q13.1.
Variant type: single nucleotide variant.
Coding change: c.13210G>A on transcript NM_004667.6 (MANE Select); coding-DNA position 13210, G replaced by A.
Protein change: p.Val4404Ile; replaces valine 4404 with isoleucine.
Molecular consequence: missense variant.
Genome position (GRCh38, 1-based): chr15:28,121,408, C>T on the plus strand (G>A on the coding strand, the complement: HERC2 is on the minus strand). VCF-style: chr15-28121408-C-T. GRCh37 (hg19) VCF-style: chr15-28366554-C-T.
Other names: short protein forms V4404I.
Identifiers: ClinVar variation 4875264 (VCV004875264.2).

ClinVar aggregate classification (germline): Uncertain significance (1 of 4 stars; one submission).

gnomAD v4.1: 1 of 1,614,212 alleles (0.000062%); highest among the groups gnomAD compares: South Asian, 0.0011%; no homozygotes.

Submission:

CeGaT Center for Human Genetics Tuebingen
Classification: Uncertain significance. Last evaluated: 2026-06-01. Review status: criteria provided, single submitter. Criteria: CeGaT Center For Human Genetics Tuebingen Variant Classification Criteria Version 2. Collection method: clinical testing. Allele origin: germline. Affected: yes. Observed: 1 variant allele.
Comment: HERC2: PM2